The following is an entry in ClinVar:

NC_000005.9:g.(?_89968343)_(90111573_?)del

Gene: ADGRV1 (adhesion G protein-coupled receptor V1; plus strand). Cytogenetic location: 5q14.3.
Variant type: Deletion.
Identifiers: ClinVar variation 3246543 (VCV003246543.1).

ClinVar aggregate classification (germline): Pathogenic (1 of 4 stars; one submission).

Submission:

Labcorp Genetics (formerly Invitae), Labcorp
Classification: Pathogenic. Last evaluated: 2024-01-16. Review status: criteria provided, single submitter. Criteria: Invitae Variant Classification Sherloc (09022015). Collection method: clinical testing. Allele origin: unknown.
Comment: This variant is a gross deletion of the genomic region encompassing exon(s) 22-75 of the ADGRV1 gene. This deletion is out-of-frame, and is expected to create a premature termination codon and result in an absent or disrupted protein product. Loss-of-function variants in ADGRV1 are known to be pathogenic (PMID: 19357117, 22135276, 22147658, 26226137, 30718709, 31047384, 32467589). This variant has not been reported in the literature in individuals affected with ADGRV1-related conditions. For these reasons, this variant has been classified as Pathogenic.

Literature cited by the submitters: PubMed 19357117; PubMed 22135276; PubMed 22147658; PubMed 26226137; PubMed 30718709; PubMed 31047384; PubMed 32467589.